The following is an entry in ClinVar:

ClinVar aggregate classification (germline): Benign. Review status: criteria provided, single submitter (1 of 4 stars). 2 submissions from 2 submitters: Benign (1). 1 of the submissions does not count toward it. Last evaluated 2025-02-25.

Conditions:
NFKB1-related disorder. Also called: NFKB1-related condition.

Allele frequency attached by ClinVar (database versions not stated): gnomAD 0.00002 and 0.00005; TOPMed 0.00002; ExAC 0.00009; gnomAD exomes 0.00009; 1000 Genomes Project 30x 0.00078; 1000 Genomes Project 0.00100.
gnomAD v4.1: 42 of 1,613,634 alleles (0.0026%); highest among the groups gnomAD compares: East Asian, 0.062%; no homozygotes.

Submissions (2):

Labcorp Genetics (formerly Invitae), Labcorp
Classification: Benign. Last evaluated: 2025-02-25. Review status: criteria provided, single submitter. Criteria: Invitae Variant Classification Sherloc (09022015). Collection method: clinical testing. Allele origin: germline.

PreventionGenetics, part of Exact Sciences
Classification: Likely benign for NFKB1-related condition. Last evaluated: 2023-08-01. Review status: no assertion criteria provided. Collection method: clinical testing. Allele origin: germline. Not counted in ClinVar's aggregate classification.
Comment: This variant is classified as likely benign based on ACMG/AMP sequence variant interpretation guidelines (Richards et al. 2015 PMID: 25741868, with internal and published modifications).

NM_003998.4(NFKB1):c.1116G>A (p.Ser372=)

Gene: NFKB1 (nuclear factor kappa B subunit 1; plus strand). Cytogenetic location: 4q24.
Variant type: single nucleotide variant.
Coding change: c.1116G>A on transcript NM_003998.4 (MANE Select); coding-DNA position 1116, G replaced by A.
Protein change: p.Ser372=; no amino-acid change (serine 372 retained).
Molecular consequence: synonymous variant.
Genome position (GRCh38, 1-based): chr4:102,593,474, G>A. VCF-style: chr4-102593474-G-A. GRCh37 (hg19) VCF-style: chr4-103514631-G-A.
Other names: c.1113G>A, p.Ser371= (NM_001165412.2, NM_001319226.2, NM_001382627.1); c.1116G>A, p.Ser372= (NM_001382625.1, NM_001382626.1); c.1074G>A, p.Ser358= (NM_001382628.1); c.1116G>A (NM_003998.3).
Identifiers: ClinVar variation 1664101 (VCV001664101.10), dbSNP rs568529031, ClinGen allele CA3026067.